The following is an entry in ClinVar:

ClinVar aggregate classification (germline): Benign/Likely benign. Review status: criteria provided, multiple submitters, no conflicts (2 of 4 stars). 15 submissions from 15 submitters: Benign (8); Likely benign (4). 3 of the submissions do not count toward it. Last evaluated 2026-09-01.

Conditions:
Myofibromatosis, infantile, 2. Identifiers: Orphanet 2591, MedGen C3809084, MONDO:0014122, OMIM 615293.
Lateral meningocele syndrome (LMNS). Also called: NOTCH3-Related Lateral Meningocele Syndrome. Identifiers: Orphanet 2789, MedGen C1851710, MONDO:0007537, OMIM 130720.
Cerebral arteriopathy, autosomal dominant, with subcortical infarcts and leukoencephalopathy, type 1 (CADASIL1). Also called: CASIL; Cerebral arteriopathy with subcortical infarcts and leukoencephalopathy 1; CADASIL 1; DEMENTIA, HEREDITARY MULTIINFARCT TYPE. Identifiers: Orphanet 136, MedGen C4551768, MONDO:0000914, OMIM 125310.

Allele frequency attached by ClinVar (database versions not stated): 1000 Genomes Project 0.00499; 1000 Genomes Project 30x 0.00515; TOPMed 0.00715; ESP Exome Variant Server 0.00777; gnomAD exomes 0.00808; gnomAD 0.00811 and 0.00841; ExAC 0.00849.
gnomAD v4.1: 15,440 of 1,613,920 alleles (0.96%); highest among the groups gnomAD compares: Non-Finnish European, 1.1%; 102 homozygotes.

Submissions (15):

CeGaT Center for Human Genetics Tuebingen
Classification: Benign. Last evaluated: 2026-09-01. Review status: criteria provided, single submitter. Criteria: CeGaT Center For Human Genetics Tuebingen Variant Classification Criteria Version 2. Collection method: clinical testing. Allele origin: germline. Affected: yes. Observed: 52 variant alleles.
Comment: NOTCH3: BS1, BS2

Labcorp Genetics (formerly Invitae), Labcorp
Classification: Benign. Last evaluated: 2026-01-25. Review status: criteria provided, single submitter. Criteria: Invitae Variant Classification Sherloc (09022015). Collection method: clinical testing. Allele origin: germline.

Athena Diagnostics
Classification: Benign. Last evaluated: 2025-09-15. Review status: criteria provided, single submitter. Criteria: Athena Diagnostics Criteria. Collection method: clinical testing. Allele origin: unknown.
Comment: The frequency of this variant in the general population is higher than would generally be expected for pathogenic variants in this gene.

ARUP Laboratories, Molecular Genetics and Genomics, ARUP Laboratories
Classification: Benign. Last evaluated: 2025-06-18. Review status: criteria provided, single submitter. Criteria: ARUP Molecular Germline Variant Investigation Process 2024. Collection method: clinical testing. Allele origin: germline.

Blueprint Genetics
Classification: Likely benign. Last evaluated: 2024-11-27. Review status: criteria provided, single submitter. Criteria: ACMG Guidelines, 2015. Collection method: clinical testing. Allele origin: germline.

Mayo Clinic Laboratories, Mayo Clinic
Classification: Benign. Last evaluated: 2024-08-28. Review status: criteria provided, single submitter. Criteria: ACMG Guidelines, 2015. Collection method: clinical testing. Allele origin: germline. Observed: 48 variant alleles.
Comment: BS1, BS2, BP4

Fulgent Genetics
Classification: Likely benign for Cerebral arteriopathy, autosomal dominant, with subcortical infarcts and leukoencephalopathy, type 1; Lateral meningocele syndrome; Myofibromatosis, infantile, 2. Last evaluated: 2021-10-25. Review status: criteria provided, single submitter. Criteria: ACMG Guidelines, 2015. Collection method: clinical testing. Allele origin: unknown.

GeneDx
Classification: Likely benign. Last evaluated: 2021-05-05. Review status: criteria provided, single submitter. Criteria: GeneDx Variant Classification Process June 2021. Collection method: clinical testing. Allele origin: germline. Affected: yes.
Comment: See Variant Classification Assertion Criteria.

Illumina Laboratory Services, Illumina
Classification: Benign for Cerebral arteriopathy, autosomal dominant, with subcortical infarcts and leukoencephalopathy, type 1. Last evaluated: 2018-01-12. Review status: criteria provided, single submitter. Criteria: ICSL Variant Classification Criteria 13 December 2019. Collection method: clinical testing. Allele origin: germline.
Comment: This variant was observed in the ICSL laboratory as part of a predisposition screen in an ostensibly healthy population. It had not been previously curated by ICSL or reported in the Human Gene Mutation Database (HGMD: prior to June 1st, 2018), and was therefore a candidate for classification through an automated scoring system. Utilizing variant allele frequency, disease prevalence and penetrance estimates, and inheritance mode, an automated score was calculated to assess if this variant is too frequent to cause the disease. Based on the score and internal cut-off values, a variant classified as benign is not then subjected to further curation. The score for this variant resulted in a classification of benign for this disease.

Center for Pediatric Genomic Medicine, Children's Mercy Hospital and Clinics
Classification: Benign. Last evaluated: 2017-06-20. Review status: criteria provided, single submitter. Criteria: ACMG Guidelines, 2015. Collection method: clinical testing. Allele origin: germline.

Breakthrough Genomics
Classification: Likely benign. Review status: criteria provided, single submitter. Criteria: ACMG Guidelines, 2015. Collection method: not provided. Allele origin: germline. Inheritance: Autosomal dominant inheritance. Affected: yes.

PreventionGenetics, part of Exact Sciences
Classification: Benign. Review status: criteria provided, single submitter. Criteria: ACMG Guidelines, 2015. Collection method: clinical testing. Allele origin: germline.

Diagnostic Laboratory, Department of Genetics, University Medical Center Groningen
Classification: Benign. Review status: no assertion criteria provided. Collection method: clinical testing. Allele origin: germline. Affected: yes. Study: VKGL Data-share Consensus. Not counted in ClinVar's aggregate classification.

Genome Diagnostics Laboratory, Amsterdam University Medical Center
Classification: Benign. Review status: no assertion criteria provided. Collection method: clinical testing. Allele origin: germline. Affected: yes. Study: VKGL Data-share Consensus. Not counted in ClinVar's aggregate classification.

Laboratory of Diagnostic Genome Analysis, Leiden University Medical Center (LUMC)
Classification: Benign. Review status: no assertion criteria provided. Collection method: clinical testing. Allele origin: germline. Affected: yes. Study: VKGL Data-share Consensus. Not counted in ClinVar's aggregate classification.

Literature cited by the submitters: PubMed 25929831 (cited by Athena Diagnostics); PubMed 22153900 (cited by Athena Diagnostics); PubMed 24086431 (cited by Athena Diagnostics); PubMed 22795385 (cited by Athena Diagnostics).

NM_000435.3(NOTCH3):c.5854G>A (p.Val1952Met)

Gene: NOTCH3 (notch receptor 3; minus strand). Cytogenetic location: 19p13.12.
Variant type: single nucleotide variant.
Coding change: c.5854G>A on transcript NM_000435.3 (MANE Select); coding-DNA position 5854, G replaced by A.
Protein change: p.Val1952Met; replaces valine 1952 with methionine.
Molecular consequence: missense variant.
Genome position (GRCh38, 1-based): chr19:15,162,524, C>T on the plus strand (G>A on the coding strand, the complement: NOTCH3 is on the minus strand). VCF-style: chr19-15162524-C-T. GRCh37 (hg19) VCF-style: chr19-15273335-C-T.
Other names: short protein forms V1952M.
Identifiers: ClinVar variation 256146 (VCV000256146.62), dbSNP rs115582213, ClinGen allele CA9262512.